The following is an entry in ClinVar:

ClinVar aggregate classification (germline): Pathogenic (1 of 4 stars; one submission).

Conditions:
Joubert syndrome. Also called: CEREBELLOPARENCHYMAL DISORDER IV; JOUBERT-BOLTSHAUSER SYNDROME; Familial aplasia of the vermis. Identifiers: Orphanet 475, MedGen C5979921, MONDO:0018772.
Nephronophthisis. Also called: Juvenile Nephronophthisis. Identifiers: Orphanet 655, MedGen C0687120, MONDO:0019005, HP:0000090.
Meckel-Gruber syndrome. Also called: DYSENCEPHALIA SPLANCHNOCYSTICA; GRUBER SYNDROME; Dysencephalia splachnocystica. Identifiers: Orphanet 564, MedGen C0265215, MONDO:0018921.

Submission:

Labcorp Genetics (formerly Invitae), Labcorp
Classification: Pathogenic for Joubert syndrome; Meckel-Gruber syndrome; Nephronophthisis. Last evaluated: 2023-02-16. Review status: criteria provided, single submitter. Criteria: Invitae Variant Classification Sherloc (09022015). Collection method: clinical testing. Allele origin: unknown.
Comment: This variant is a gross deletion of the genomic region encompassing exon(s) 7-23 of the CEP290 gene. This deletion is out-of-frame, and is expected to create a premature termination codon and result in an absent or disrupted protein product. Loss-of-function variants in CEP290 are known to be pathogenic (PMID: 16909394, 17345604, 20690115). This variant has not been reported in the literature in individuals affected with CEP290-related conditions. For these reasons, this variant has been classified as Pathogenic.

Literature cited by the submitters: PubMed 16909394; PubMed 17345604; PubMed 20690115.

NC_000012.11:g.(?_88502823)_(88525015_?)del

Gene: CEP290 (centrosomal protein 290; minus strand). Cytogenetic location: 12q21.32.
Variant type: Deletion.
Identifiers: ClinVar variation 3244273 (VCV003244273.1).